The following is an entry in ClinVar:

NM_000138.5(FBN1):c.565G>A (p.Val189Met)

Gene: FBN1 (fibrillin 1; minus strand). Cytogenetic location: 15q21.1.
Variant type: single nucleotide variant.
Coding change: c.565G>A on transcript NM_000138.5 (MANE Select); coding-DNA position 565, G replaced by A.
Protein change: p.Val189Met; replaces valine 189 with methionine.
Molecular consequence: missense variant.
Genome position (GRCh38, 1-based): chr15:48,537,782, C>T on the plus strand (G>A on the coding strand, the complement: FBN1 is on the minus strand). VCF-style: chr15-48537782-C-T. GRCh37 (hg19) VCF-style: chr15-48829979-C-T.
Other names: c.565G>A, p.Val189Met (NM_001406716.1, NM_001406717.1); short protein forms V189M.
Identifiers: ClinVar variation 5019477 (VCV005019477.2).
Genomic context (GRCh38, chr15:48,537,782, plus strand): 5'-AGAGCGTTTTTGTGCAGACAATCCCGCTGAGTTGTCCCTGGCACATCTGGTTGCTGATCA[C>T]AGTAAAACATGGGCCTGTCCTGTAATCTGAAAATAAAGAATAAAAATCTGATGAAAATCC-3'
Protein context (NP_000129.3, residues 179-199): RDYRTGPCFT[Val189Met]ISNQMCQGQL

ClinVar aggregate classification (germline): Uncertain significance (1 of 4 stars; one submission).

Conditions:
Geleophysic dysplasia 2 (GPHYSD2). Identifiers: Orphanet 2623, MedGen C3280054, MONDO:0013612, OMIM 614185.
MASS syndrome (OCTD). Also called: MASS PHENOTYPE; OVERLAP CONNECTIVE TISSUE DISEASE. Identifiers: MedGen C1858556, MONDO:0011431, OMIM 604308.
Progeroid and marfanoid aspect-lipodystrophy syndrome. Also called: MARFANOID-PROGEROID-LIPODYSTROPHY SYNDROME; MARFANOID-PROGEROID SYNDROME; MARFAN-PROGEROID-LIPODYSTROPHY SYNDROME; Marfan lipodystrophy syndrome. Identifiers: Orphanet 300382, MedGen C4310796, MONDO:0014831, OMIM 616914.
Weill-Marchesani syndrome 2, dominant. Also called: FBN1-Related Weill-Marchesani Syndrome; Weill-Marchesani Syndrome, Autosomal Dominant. Identifiers: Orphanet 2084, MedGen C1869115, MONDO:0012013, OMIM 608328.
Stiff skin syndrome (SSKS). Identifiers: Orphanet 2833, MedGen C1861456, MONDO:0008492, OMIM 184900.
Acromicric dysplasia (ACMICD). Also called: Acromicric skeletal dysplasia. Identifiers: Orphanet 969, MedGen C0265287, MONDO:0007055, OMIM 102370.
Marfan syndrome (MFS). Also called: MARFAN SYNDROME, TYPE I; Marfan syndrome type 1; Marfan's syndrome; FBN1-Related Marfan Syndrome; Marfan syndrome, classic. Identifiers: Orphanet 284963, Orphanet 558, MedGen C0024796, MONDO:0007947, OMIM 154700.
Ectopia lentis 1, isolated, autosomal dominant (ECTOL1). Identifiers: Orphanet 1885, MedGen C3541518, MONDO:0007514, OMIM 129600.

Submission:

Juno Genomics, Hangzhou Juno Genomics, Inc
Classification: Uncertain significance for Stiff skin syndrome; Weill-Marchesani syndrome 2, dominant; Acromicric dysplasia; Ectopia lentis 1, isolated, autosomal dominant; Geleophysic dysplasia 2; Progeroid and marfanoid aspect-lipodystrophy syndrome; Marfan syndrome; MASS syndrome. Review status: criteria provided, single submitter. Criteria: ACMG Guidelines, 2015. Collection method: clinical testing. Allele origin: germline.
Comment: Absent from controls (or at extremely low frequency if recessive) in Genome Aggregation Database.;Missense variant in a gene that has a low rate of benign missense variation.;Multiple lines of computational evidence suggest no impact on gene or gene product.